The following is an entry in ClinVar:

ClinVar aggregate classification (germline): Likely benign (1 of 4 stars; one submission).

Submission:

CeGaT Center for Human Genetics Tuebingen
Classification: Likely benign. Last evaluated: 2024-09-01. Review status: criteria provided, single submitter. Criteria: CeGaT Center For Human Genetics Tuebingen Variant Classification Criteria Version 2. Collection method: clinical testing. Allele origin: germline. Affected: yes. Observed: 1 variant allele.
Comment: MAGEL2: PM2:Supporting, BP4, BP7

NM_019066.5(MAGEL2):c.192C>T (p.Ala64=)

Gene: MAGEL2 (MAGE family member L2; minus strand). Cytogenetic location: 15q11.2.
Variant type: single nucleotide variant.
Coding change: c.192C>T on transcript NM_019066.5 (MANE Select); coding-DNA position 192, C replaced by T.
Protein change: p.Ala64=; no amino-acid change (alanine 64 retained).
Molecular consequence: synonymous variant.
Genome position (GRCh38, 1-based): chr15:23,647,551, G>A on the plus strand (C>T on the coding strand, the complement: MAGEL2 is on the minus strand). VCF-style: chr15-23647551-G-A. GRCh37 (hg19) VCF-style: chr15-23892698-G-A.
Identifiers: ClinVar variation 3389276 (VCV003389276.14).